The following is an entry in ClinVar:

NM_001276270.2(MBD4):c.23G>A (p.Ser8Asn)

Genes: MBD4 (methyl-CpG binding domain 4, DNA glycosylase; minus strand), LOC129937550 (ATAC-STARR-seq lymphoblastoid active region 20512; plus strand). Cytogenetic location: 3q21.3.
Variant type: single nucleotide variant.
Coding change: c.23G>A on transcript NM_001276270.2 (MANE Select); coding-DNA position 23, G replaced by A.
Protein change: p.Ser8Asn; replaces serine 8 with asparagine.
Molecular consequence: missense variant.
Genome position (GRCh38, 1-based): chr3:129,439,811, C>T on the plus strand (G>A on the coding strand, the complement: MBD4 is on the minus strand). VCF-style: chr3-129439811-C-T. GRCh37 (hg19) VCF-style: chr3-129158654-C-T.
Other names: c.23G>A, p.Ser8Asn (NM_001276271.2, NM_001276272.2, NM_001276273.2 and 1 more transcripts); short protein forms S8N.
Identifiers: ClinVar variation 3727143 (VCV003727143.3).

ClinVar aggregate classification (germline): Uncertain significance. Review status: criteria provided, multiple submitters, no conflicts (2 of 4 stars). 2 submissions from 2 submitters: Uncertain significance (2). Last evaluated 2026-01-14.

Conditions:
Inborn genetic diseases. Identifiers: MedGen C0950123, MeSH D030342.

Submissions (2):

Ambry Genetics
Classification: Uncertain significance for Inborn genetic diseases. Last evaluated: 2026-01-14. Review status: criteria provided, single submitter. Criteria: Ambry Variant Classification Scheme 2023. Collection method: clinical testing. Allele origin: germline.
Comment: The p.S8N variant (also known as c.23G>A), located in coding exon 1 of the MBD4 gene, results from a G to A substitution at nucleotide position 23. The serine at codon 8 is replaced by asparagine, an amino acid with highly similar properties. This amino acid position is conserved. In addition, this alteration is predicted to be tolerated by in silico analysis. Based on the available evidence, the clinical significance of this variant remains unclear.

Labcorp Genetics (formerly Invitae), Labcorp
Classification: Uncertain significance. Last evaluated: 2024-12-12. Review status: criteria provided, single submitter. Criteria: Invitae Variant Classification Sherloc (09022015). Collection method: clinical testing. Allele origin: germline.
Comment: This sequence change replaces serine, which is neutral and polar, with asparagine, which is neutral and polar, at codon 8 of the MBD4 protein (p.Ser8Asn). This variant is not present in population databases (gnomAD no frequency). This variant has not been reported in the literature in individuals affected with MBD4-related conditions. An algorithm developed to predict the effect of missense changes on protein structure and function outputs the following: PolyPhen-2: "Benign". The asparagine amino acid residue is found in multiple mammalian species, which suggests that this missense change does not adversely affect protein function. In summary, the available evidence is currently insufficient to determine the role of this variant in disease. Therefore, it has been classified as a Variant of Uncertain Significance.